The following is an entry in ClinVar:

ClinVar aggregate classification (germline): Uncertain significance. Review status: criteria provided, multiple submitters, no conflicts (2 of 4 stars). 3 submissions from 3 submitters: Uncertain significance (3). Last evaluated 2025-11-23.

Conditions:
Inborn genetic diseases. Identifiers: MedGen C0950123, MeSH D030342.

Allele frequency attached by ClinVar (database versions not stated): gnomAD 0.00002; gnomAD exomes 0.00003 and 0.00005; TOPMed 0.00003; ExAC 0.00006.
gnomAD v4.1: 45 of 1,604,500 alleles (0.0028%); highest among the groups gnomAD compares: African/African-American, 0.0054%; no homozygotes.

Submissions (3):

Labcorp Genetics (formerly Invitae), Labcorp
Classification: Uncertain significance. Last evaluated: 2025-11-23. Review status: criteria provided, single submitter. Criteria: Invitae Variant Classification Sherloc (09022015). Collection method: clinical testing. Allele origin: germline.
Comment: This sequence change replaces aspartic acid, which is acidic and polar, with asparagine, which is neutral and polar, at codon 236 of the SEPT9 protein (p.Asp236Asn). This variant is present in population databases (rs777546447, gnomAD 0.02%). This variant has not been reported in the literature in individuals affected with SEPT9-related conditions. ClinVar contains an entry for this variant (Variation ID: 870683). Invitae Evidence Modeling of protein sequence and biophysical properties (such as structural, functional, and spatial information, amino acid conservation, physicochemical variation, residue mobility, and thermodynamic stability) indicates that this missense variant is not expected to disrupt SEPT9 protein function with a negative predictive value of 80%. In summary, the available evidence is currently insufficient to determine the role of this variant in disease. Therefore, it has been classified as a Variant of Uncertain Significance.

Ambry Genetics
Classification: Uncertain significance for Inborn genetic diseases. Last evaluated: 2025-01-22. Review status: criteria provided, single submitter. Criteria: Ambry Variant Classification Scheme 2023. Collection method: clinical testing. Allele origin: germline.

CeGaT Center for Human Genetics Tuebingen
Classification: Uncertain significance. Last evaluated: 2019-09-01. Review status: criteria provided, single submitter. Criteria: CeGaT Center For Human Genetics Tuebingen Variant Classification Criteria Version 2. Collection method: clinical testing. Allele origin: germline. Affected: yes. Observed: 1 variant allele.

NM_001113491.2(SEPTIN9):c.760G>A (p.Asp254Asn)

Gene: SEPTIN9 (septin 9; plus strand). Cytogenetic location: 17q25.3.
Variant type: single nucleotide variant.
Coding change: c.760G>A on transcript NM_001113491.2 (MANE Select); coding-DNA position 760, G replaced by A.
Protein change: p.Asp254Asn; replaces aspartic acid 254 with asparagine.
Molecular consequence: missense variant.
Genome position (GRCh38, 1-based): chr17:77,482,182, G>A. VCF-style: chr17-77482182-G-A. GRCh37 (hg19) VCF-style: chr17-75478264-G-A.
Other names: c.268G>A, p.Asp90Asn (NM_001113492.2, NM_001113494.1); c.739G>A, p.Asp247Asn (NM_001113493.2); c.7G>A, p.Asp3Asn (NM_001113495.2, NM_001113496.2, NM_001293697.2 and 1 more transcripts); c.703G>A, p.Asp235Asn (NM_001293695.2); c.88G>A, p.Asp30Asn (NM_001293696.2); c.706G>A, p.Asp236Asn (NM_006640.5); c.706G>A (NM_006640.4); short protein forms D247N, D90N, D236N, D235N, D30N, D254N, D3N.
Identifiers: ClinVar variation 870683 (VCV000870683.45), dbSNP rs777546447, ClinGen allele CA8793521.